The following is an entry in ClinVar:

NM_000419.5(ITGA2B):c.1073G>A (p.Arg358His)

Gene: ITGA2B (integrin subunit alpha 2b; minus strand). Cytogenetic location: 17q21.31.
Variant type: single nucleotide variant.
Coding change: c.1073G>A on transcript NM_000419.5 (MANE Select); coding-DNA position 1073, G replaced by A.
Protein change: p.Arg358His; replaces arginine 358 with histidine.
Molecular consequence: missense variant.
Genome position (GRCh38, 1-based): chr17:44,383,630, C>T on the plus strand (G>A on the coding strand, the complement: ITGA2B is on the minus strand). VCF-style: chr17-44383630-C-T. GRCh37 (hg19) VCF-style: chr17-42460998-C-T.
Other names: R327H; c.1073G>A, p.Arg358His (LRG_479t1); short protein forms R358H.
Identifiers: ClinVar variation 2896 (VCV000002896.8), dbSNP rs137852908, ClinGen allele CA115839.

ClinVar aggregate classification (germline): Pathogenic. Review status: reviewed by expert panel (3 of 4 stars). 5 submissions from 5 submitters: Pathogenic (1). 4 of the submissions do not count toward it. Last evaluated 2021-03-05.

Conditions:
ITGA2B-related disorder. Also called: ITGA2B-related condition; ITGA2B-related disorders.
Glanzmann thrombasthenia 1 (GT1). Also called: BLEEDING DISORDER, PLATELET-TYPE, 2; GP IIb-IIIa COMPLEX DEFICIENCY; GLYCOPROTEIN COMPLEX IIb-IIIa DEFICIENCY; PLATELET FIBRINOGEN RECEPTOR DEFICIENCY. Identifiers: MedGen CN300358, MONDO:0031332, OMIM 273800.
Glanzmann thrombasthenia. Also called: Thrombasthenia; PLATELET GLYCOPROTEIN IIb-IIIa DEFICIENCY; Glanzmann's thrombasthenia; THROMBASTHENIA OF GLANZMANN AND NAEGELI. Identifiers: Orphanet 849, MedGen C0040015, MONDO:0100326.

Allele frequency attached by ClinVar (database versions not stated): gnomAD exomes below 0.00001; TOPMed 0.00001.
gnomAD v4.1: 4 of 1,604,020 alleles (0.00025%); highest among the groups gnomAD compares: Non-Finnish European, 0.00034%; no homozygotes.

Submissions (5):

ClinGen Platelet Disorders Variant Curation Expert Panel, ClinGen
Classification: Pathogenic for Glanzmann thrombasthenia. Last evaluated: 2021-03-05. Review status: reviewed by expert panel. Criteria: ClinGen Platelet ACMG Specifications v2. Collection method: curation. Allele origin: germline. Inheritance: Autosomal recessive inheritance.
Comment: The c.1073G>A (p.Arg358His) variant has been reported, in the homozygous state, in at least four probands (PMIDs: 8883261, 25728920, 19691478, 7706461) and once in a compound heterozygous case (PMID: 21557682), several of whom meet all diagnostic criteria for a phenotype highly specific to GT. This variant is absent from ExAC and gnomAD. In summary, this variant meets criteria to be classified as pathogenic for GT. GT-specific criteria applied: PM2_supporting, PM3_strong, and PP4_strong.

PreventionGenetics, part of Exact Sciences
Classification: Pathogenic for ITGA2B-related condition. Last evaluated: 2026-09-03. Review status: criteria provided, single submitter. Criteria: ACMG Guidelines, 2015. Collection method: clinical testing. Allele origin: germline. Not counted in ClinVar's aggregate classification.
Comment: The ITGA2B c.1073G>A variant is predicted to result in the amino acid substitution p.Arg358His. This variant, also reported as p.Arg327His using legacy nomenclature, has been reported in the homozygous state or with a second ITGA2B variant in multiple individuals with Glanzmann thrombasthenia (Wilox et al. 1995. PubMed ID: 7706461; Ferrer et al. 1996. PubMed ID: 8883261; Kannan et al. 2009. PubMed ID: 19691478; Nurden et al. 2011. PubMed ID: 21557682; Megy et al. 2021. PubMed ID: 34355501; Zhang et al. 2026. PubMed ID: 41510763). In vitro functional studies consistently demonstrate this variant impacts protein surface expression and trafficking (Wilox et al. 1995. PubMed ID: 7706461; Nurden et al. 2015. PubMed ID: 25728920; Zhang et al. 2026. PubMed ID: 41510763). This variant has not been reported in a large population database (gnomAD), indicating this variant is rare, and it is classified as pathogenic by the ClinGen Platelet Disorders Variant Curation Expert Panel (Variation ID: 2896). Taken together, this variant is interpreted as pathogenic for autosomal recessive disease.

3billion
Classification: Pathogenic for Glanzmann thrombasthenia 1. Last evaluated: 2023-02-23. Review status: criteria provided, single submitter. Criteria: ACMG Guidelines, 2015. Collection method: clinical testing. Allele origin: unknown. Affected: yes. Not counted in ClinVar's aggregate classification.
Comment: The variant is not observed in the gnomAD v2.1.1 dataset. Same nucleotide change resulting in same amino acid change has been previously reported as pathogenic/likely pathogenic with strong evidence (ClinVar ID: VCV000002896). The variant has been observed in multiple (>3) similarly affected unrelated individuals (PMID: 19691478, 25728920, 7706461, 8883261). Therefore, this variant is classified as Pathogenic according to the recommendation of ACMG/AMP guideline.

ISTH-SSC Genomics in Thrombosis and Hemostasis, KU Leuven, Center for Molecular and Vascular Biology
Classification: Pathogenic for Glanzmann thrombasthenia 1. Review status: criteria provided, single submitter. Criteria: ACMG Guidelines, 2015. Collection method: clinical testing. Allele origin: germline. Affected: yes. Observed: 2 homozygotes. Not counted in ClinVar's aggregate classification.
Comment: GoldVariant submitter: Harald Schulze Institute of Experimental Biomedicine, University Hospital of Würzburg, Würzburg, Germany

OMIM
Classification: Pathogenic for GLANZMANN THROMBASTHENIA 1. Last evaluated: 2021-04-13. Review status: no assertion criteria provided. Collection method: literature only. Allele origin: germline. Not counted in ClinVar's aggregate classification.

Literature cited by the submitters: PubMed 7706461 (cited by ClinGen Platelet Disorders Variant Curation Expert Panel, ClinGen and 3billion); PubMed 21557682 (cited by ClinGen Platelet Disorders Variant Curation Expert Panel, ClinGen); PubMed 19691478 (cited by ClinGen Platelet Disorders Variant Curation Expert Panel, ClinGen and 3billion); PubMed 25728920 (cited by ClinGen Platelet Disorders Variant Curation Expert Panel, ClinGen and 3billion); PubMed 8883261 (cited by ClinGen Platelet Disorders Variant Curation Expert Panel, ClinGen and 3billion); PubMed 34355501 (cited by ISTH-SSC Genomics in Thrombosis and Hemostasis, KU Leuven, Center for Molecular and Vascular Biology); Wilcox, D. A., Gill, J., Newman, P. J. Glanzmann thrombasthenia resulting from a single amino acid substitution flanking the fibrinogen gamma-chain dodecapeptide binding domain on GPIIb. (Abstract) Blood 82: 210a-only, 1993. (cited by OMIM).